The following is an entry in ClinVar:

NM_001868.4(CPA1):c.704T>A (p.Met235Lys)

Gene: CPA1 (carboxypeptidase A1; plus strand). Cytogenetic location: 7q32.2.
Variant type: single nucleotide variant.
Coding change: c.704T>A on transcript NM_001868.4 (MANE Select); coding-DNA position 704, T replaced by A.
Protein change: p.Met235Lys; replaces methionine 235 with lysine.
Molecular consequence: missense variant.
Genome position (GRCh38, 1-based): chr7:130,384,543, T>A. VCF-style: chr7-130384543-T-A. GRCh37 (hg19) VCF-style: chr7-130024384-T-A.
Other names: short protein forms M235K.
Identifiers: ClinVar variation 3496223 (VCV003496223.1).

ClinVar aggregate classification (germline): Uncertain significance (1 of 4 stars; one submission).

Conditions:
Hereditary pancreatitis (PCTT). Also called: Hereditary chronic pancreatitis; PRSS1-Related Hereditary Pancreatitis. Identifiers: Orphanet 676, MedGen C0238339, MONDO:0008185, OMIM 167800.

Submission:

Ambry Genetics
Classification: Uncertain significance for Hereditary pancreatitis. Last evaluated: 2024-11-08. Review status: criteria provided, single submitter. Criteria: Ambry Variant Classification Scheme 2023. Collection method: clinical testing. Allele origin: germline.
Comment: The p.M235K variant (also known as c.704T>A), located in coding exon 7 of the CPA1 gene, results from a T to A substitution at nucleotide position 704. The methionine at codon 235 is replaced by lysine, an amino acid with similar properties. This amino acid position is conserved. In addition, the in silico prediction for this alteration is inconclusive. Based on the available evidence, the clinical significance of this variant remains unclear.